The following is an entry in ClinVar:

ClinVar aggregate classification (germline): Uncertain significance. Review status: criteria provided, multiple submitters, no conflicts (2 of 4 stars). 2 submissions from 2 submitters: Uncertain significance (2). Last evaluated 2025-10-21.

Conditions:
Inborn genetic diseases. Identifiers: MedGen C0950123, MeSH D030342.
Asphyxiating thoracic dystrophy 3. Also called: SHORT-RIB THORACIC DYSPLASIA 3 WITH OR WITHOUT POLYDACTYLY; POLYDACTYLY WITH NEONATAL CHONDRODYSTROPHY, TYPE I; SHORT-RIB THORACIC DYSPLASIA 3/6 WITH POLYDACTYLY, DIGENIC; Short rib polydactyly syndrome 2B; Saldino-Noonan Syndrome. Identifiers: Orphanet 474, Orphanet 93269, Orphanet 93270, Orphanet 93271, MedGen C0036069, MONDO:0013127, OMIM 613091.

Allele frequency attached by ClinVar (database versions not stated): gnomAD exomes below 0.00001.
gnomAD v4.1: 1 of 1,613,062 alleles (0.000062%); no homozygotes.

Submissions (2):

Ambry Genetics
Classification: Uncertain significance for Inborn genetic diseases. Last evaluated: 2025-10-21. Review status: criteria provided, single submitter. Criteria: Ambry Variant Classification Scheme 2023. Collection method: clinical testing. Allele origin: germline.

ARUP Laboratories, Molecular Genetics and Genomics, ARUP Laboratories
Classification: Uncertain significance for Asphyxiating thoracic dystrophy 3. Last evaluated: 2021-10-25. Review status: criteria provided, single submitter. Criteria: ARUP Molecular Germline Variant Investigation Process 2021. Collection method: clinical testing. Allele origin: germline.
Comment: The DYNC2H1 c.9050T>C; p.Leu3017Pro variant, to our knowledge, is not reported in the medical literature or gene specific databases. This variant is also absent from general population databases (Exome Variant Server, Genome Aggregation Database), indicating it is not a common polymorphism.The leucine at codon 3017 is highly conserved and computational analyses predict that this variant is deleterious (REVEL: 0.774). Due to limited information, the clinical significance of the p.Leu3017Pro variant is uncertain at this time.

NM_001377.3(DYNC2H1):c.9050T>C (p.Leu3017Pro)

Gene: DYNC2H1 (dynein cytoplasmic 2 heavy chain 1; plus strand). Cytogenetic location: 11q22.3.
Variant type: single nucleotide variant.
Coding change: c.9050T>C on transcript NM_001377.3 (MANE Select); coding-DNA position 9050, T replaced by C.
Protein change: p.Leu3017Pro; replaces leucine 3017 with proline.
Molecular consequence: missense variant.
Genome position (GRCh38, 1-based): chr11:103,220,726, T>C. VCF-style: chr11-103220726-T-C. GRCh37 (hg19) VCF-style: chr11-103091455-T-C.
Other names: c.9050T>C, p.Leu3017Pro (NM_001080463.2); c.9050T>C (NM_001080463.1); short protein forms L3017P.
Identifiers: ClinVar variation 1330380 (VCV001330380.8), dbSNP rs2135150032, ClinGen allele CA382262864.